The following is an entry in ClinVar:

NM_001378452.1(ITPR1):c.5116G>A (p.Asp1706Asn)

Gene: ITPR1 (inositol 1,4,5-trisphosphate receptor type 1; plus strand). Cytogenetic location: 3p26.1.
Variant type: single nucleotide variant.
Coding change: c.5116G>A on transcript NM_001378452.1 (MANE Select); coding-DNA position 5116, G replaced by A.
Protein change: p.Asp1706Asn; replaces aspartic acid 1706 with asparagine.
Molecular consequence: missense variant. On other transcripts: intron variant (2).
Genome position (GRCh38, 1-based): chr3:4,717,379, G>A. VCF-style: chr3-4717379-G-A. GRCh37 (hg19) VCF-style: chr3-4759063-G-A.
Other names: c.5071G>A, p.Asp1691Asn (NM_001168272.2); c.5076+5511G>A (NM_001099952.4); c.5031+5511G>A (NM_002222.7); short protein forms D1691N, D1706N.
Identifiers: ClinVar variation 3571483 (VCV003571483.11).

ClinVar aggregate classification (germline): Conflicting classifications of pathogenicity. Review status: criteria provided, conflicting classifications (1 of 4 stars). 2 submissions from 2 submitters: Uncertain significance (1); Benign (1). Last evaluated 2025-06-01.

gnomAD v4.1: 37 of 1,595,794 alleles (0.0023%); highest among the groups gnomAD compares: Non-Finnish European, 0.00068%; no homozygotes.

Submissions (2):

CeGaT Center for Human Genetics Tuebingen
Classification: Uncertain significance. Last evaluated: 2025-06-01. Review status: criteria provided, single submitter. Criteria: CeGaT Center For Human Genetics Tuebingen Variant Classification Criteria Version 2. Collection method: clinical testing. Allele origin: germline. Affected: yes. Observed: 1 variant allele.
Comment: ITPR1: PM2

Athena Diagnostics
Classification: Benign. Last evaluated: 2023-12-06. Review status: criteria provided, single submitter. Criteria: Athena Diagnostics Criteria. Collection method: clinical testing. Allele origin: unknown.